The following is an entry in ClinVar:

ClinVar aggregate classification (germline): Conflicting classifications of pathogenicity. Review status: criteria provided, conflicting classifications (1 of 4 stars). 5 submissions from 4 submitters: Uncertain significance (2); Likely benign (3). Last evaluated 2025-11-28.

Conditions:
Transitory neonatal diabetes mellitus. Also called: Transient neonatal diabetes mellitus. Identifiers: MedGen C0342273, MONDO:0020525, HP:0008255.
Maturity-onset diabetes of the young (MODY). Also called: Maturity onset diabetes mellitus in young. Identifiers: Orphanet 552, MedGen C0342276, MONDO:0018911, HP:0004904.

Allele frequency attached by ClinVar (database versions not stated): gnomAD 0.00004 and 0.00009; TOPMed 0.00004; gnomAD exomes 0.00011 and 0.00023; ESP Exome Variant Server 0.00015; ExAC 0.00034; 1000 Genomes Project 30x 0.00078; 1000 Genomes Project 0.00080.
gnomAD v4.1: 181 of 1,606,096 alleles (0.011%); highest among the groups gnomAD compares: South Asian, 0.18%; 2 homozygotes.

Submissions (5):

Labcorp Genetics (formerly Invitae), Labcorp
Classification: Likely benign. Last evaluated: 2025-11-28. Review status: criteria provided, single submitter. Criteria: Invitae Variant Classification Sherloc (09022015). Collection method: clinical testing. Allele origin: germline.

Women's Health and Genetics/Laboratory Corporation of America, LabCorp
Classification: Likely benign. Last evaluated: 2025-05-19. Review status: criteria provided, single submitter. Criteria: LabCorp Variant Classification Summary - May 2015. Collection method: clinical testing. Allele origin: germline.

ARUP Laboratories, Molecular Genetics and Genomics, ARUP Laboratories
Classification: Likely benign. Last evaluated: 2024-04-12. Review status: criteria provided, single submitter. Criteria: ARUP Molecular Germline Variant Investigation Process 2024. Collection method: clinical testing. Allele origin: germline.

Clinical Genomics, Uppaluri K&H Personalized Medicine Clinic
Classification: Uncertain significance for Maturity-onset diabetes of the young. Review status: criteria provided, single submitter. Criteria: K & H Uppaluri Personalized Medicine Clinic Variant Classification & Assertion Criteria_Updated V.1. Collection method: research. Allele origin: inherited. Inheritance: Somatic mutation.
Comment: Mutations in ABCC8 gene are associated with both neonatal diabetes mellitus as well as MODY. Patients with this mutation may have a better response to sulfonylureas. However, no sufficient evidence is found to ascertain the role of this particular variant (rs151211613) in MODY yet.

Clinical Genomics, Uppaluri K&H Personalized Medicine Clinic
Classification: Uncertain significance for Transitory neonatal diabetes mellitus. Review status: criteria provided, single submitter. Criteria: K & H Uppaluri Personalized Medicine Clinic Variant Classification & Assertion Criteria_Updated V.1. Collection method: research. Allele origin: unknown. Inheritance: Somatic mutation.
Comment: Mutations in ABCC8 gene are associated with both neonatal diabetes mellitus as well as MODY. Patients with this mutation may have a better response to sulfonylureas. However, no sufficient evidence is found to ascertain the role of this particular variant (rs151211613) in neonatal diabetes yet.

Literature cited by the submitters: PubMed 16885549 (cited by Clinical Genomics, Uppaluri K&H Personalized Medicine Clinic); PubMed 21989597 (cited by Clinical Genomics, Uppaluri K&H Personalized Medicine Clinic); PubMed 27538677 (cited by Clinical Genomics, Uppaluri K&H Personalized Medicine Clinic); PubMed 18981553 (cited by Clinical Genomics, Uppaluri K&H Personalized Medicine Clinic); PubMed 32027066 (cited by Clinical Genomics, Uppaluri K&H Personalized Medicine Clinic); PubMed 16613899 (cited by Clinical Genomics, Uppaluri K&H Personalized Medicine Clinic); PubMed 18025408 (cited by Clinical Genomics, Uppaluri K&H Personalized Medicine Clinic); PubMed 32792356 (cited by Clinical Genomics, Uppaluri K&H Personalized Medicine Clinic).

NM_000352.6(ABCC8):c.552C>T (p.Leu184=)

Gene: ABCC8 (ATP binding cassette subfamily C member 8; minus strand). Cytogenetic location: 11p15.1.
Variant type: single nucleotide variant.
Coding change: c.552C>T on transcript NM_000352.6 (MANE Select); coding-DNA position 552, C replaced by T.
Protein change: p.Leu184=; no amino-acid change (leucine 184 retained).
Molecular consequence: synonymous variant. On other transcripts: non-coding transcript variant (1).
Genome position (GRCh38, 1-based): chr11:17,463,465, G>A on the plus strand (C>T on the coding strand, the complement: ABCC8 is on the minus strand). VCF-style: chr11-17463465-G-A. GRCh37 (hg19) VCF-style: chr11-17485012-G-A.
Other names: c.552C>T, p.Leu184= (NM_001287174.3, NM_001351295.2, NM_001351296.2 and 1 more transcripts).
Identifiers: ClinVar variation 795271 (VCV000795271.15), dbSNP rs151211613, ClinGen allele CA5903845.